The following is an entry in ClinVar:

NM_152424.4(AMER1):c.3408G>A (p.Ter1136=)

Gene: AMER1 (APC membrane recruitment protein 1; minus strand). Cytogenetic location: Xq11.2.
Variant type: single nucleotide variant.
Coding change: c.3408G>A on transcript NM_152424.4 (MANE Select); coding-DNA position 3408, G replaced by A.
Protein change: p.Ter1136=.
Molecular consequence: synonymous variant.
Genome position (GRCh38, 1-based): chrX:64,189,879, C>T on the plus strand (G>A on the coding strand, the complement: AMER1 is on the minus strand). VCF-style: chrX-64189879-C-T. GRCh37 (hg19) VCF-style: chrX-63409759-C-T.
Identifiers: ClinVar variation 720216 (VCV000720216.12), dbSNP rs372461050, ClinGen allele CA10432070.

ClinVar aggregate classification (germline): Benign/Likely benign. Review status: criteria provided, multiple submitters, no conflicts (2 of 4 stars). 4 submissions from 4 submitters: Benign (1); Likely benign (2). 1 of the submissions does not count toward it. Last evaluated 2025-12-15.

Conditions:
AMER1-related disorder. Also called: AMER1-related condition.
Osteopathia striata with cranial sclerosis (OSCS). Also called: HYPEROSTOSIS GENERALISATA WITH STRIATIONS. Identifiers: Orphanet 2780, MedGen C0432268, MONDO:0010310, OMIM 300373.

Allele frequency attached by ClinVar (database versions not stated): ESP Exome Variant Server 0.00047; TOPMed 0.00062; gnomAD exomes 0.00072 and 0.00120; gnomAD 0.00085 and 0.00086; ExAC 0.00118.
gnomAD v4.1: 1,156 of 1,006,779 alleles (0.11%); highest among the groups gnomAD compares: Non-Finnish European, 0.14%; no homozygotes.

Submissions (4):

Labcorp Genetics (formerly Invitae), Labcorp
Classification: Benign. Last evaluated: 2025-12-15. Review status: criteria provided, single submitter. Criteria: Invitae Variant Classification Sherloc (09022015). Collection method: clinical testing. Allele origin: germline.

Blueprint Genetics
Classification: Likely benign. Last evaluated: 2024-11-28. Review status: criteria provided, single submitter. Criteria: ACMG Guidelines, 2015. Collection method: clinical testing. Allele origin: germline.

Institute of Human Genetics, University of Leipzig Medical Center
Classification: Likely benign for Osteopathia striata with cranial sclerosis. Last evaluated: 2019-01-01. Review status: criteria provided, single submitter. Criteria: ACMG Guidelines, 2015. Collection method: clinical testing. Allele origin: unknown. Affected: yes.

PreventionGenetics, part of Exact Sciences
Classification: Benign for AMER1-related condition. Last evaluated: 2021-05-24. Review status: no assertion criteria provided. Collection method: clinical testing. Allele origin: germline. Not counted in ClinVar's aggregate classification.
Comment: This variant is classified as benign based on ACMG/AMP sequence variant interpretation guidelines (Richards et al. 2015 PMID: 25741868, with internal and published modifications).